The following is an entry in ClinVar:

ClinVar aggregate classification (germline): Uncertain significance (1 of 4 stars; one submission).

Submission:

Labcorp Genetics (formerly Invitae), Labcorp
Classification: Uncertain significance. Last evaluated: 2025-07-01. Review status: criteria provided, single submitter. Criteria: Invitae Variant Classification Sherloc (09022015). Collection method: clinical testing. Allele origin: germline.
Comment: This sequence change replaces valine, which is neutral and non-polar, with isoleucine, which is neutral and non-polar, at codon 1693 of the FLNB protein (p.Val1693Ile). This variant is not present in population databases (gnomAD no frequency). This variant has not been reported in the literature in individuals affected with FLNB-related conditions. Invitae Evidence Modeling of protein sequence and biophysical properties (such as structural, functional, and spatial information, amino acid conservation, physicochemical variation, residue mobility, and thermodynamic stability) indicates that this missense variant is not expected to disrupt FLNB protein function with a negative predictive value of 95%. In summary, the available evidence is currently insufficient to determine the role of this variant in disease. Therefore, it has been classified as a Variant of Uncertain Significance.

NM_001457.4(FLNB):c.5077G>A (p.Val1693Ile)

Gene: FLNB (filamin B; plus strand). Cytogenetic location: 3p14.3.
Variant type: single nucleotide variant.
Coding change: c.5077G>A on transcript NM_001457.4 (MANE Select); coding-DNA position 5077, G replaced by A.
Protein change: p.Val1693Ile; replaces valine 1693 with isoleucine.
Molecular consequence: missense variant.
Genome position (GRCh38, 1-based): chr3:58,138,497, G>A. VCF-style: chr3-58138497-G-A. GRCh37 (hg19) VCF-style: chr3-58124224-G-A.
Other names: c.5170G>A, p.Val1724Ile (NM_001164317.2); c.5077G>A, p.Val1693Ile (NM_001164318.2, NM_001164319.2); short protein forms V1693I, V1724I.
Identifiers: ClinVar variation 4801720 (VCV004801720.1).